The following is an entry in ClinVar:

NM_000250.2(MPO):c.676C>T (p.Leu226=)

Gene: MPO (myeloperoxidase; minus strand). Cytogenetic location: 17q22.
Variant type: single nucleotide variant.
Coding change: c.676C>T on transcript NM_000250.2 (MANE Select); coding-DNA position 676, C replaced by T.
Protein change: p.Leu226=; no amino-acid change (leucine 226 retained).
Molecular consequence: synonymous variant.
Genome position (GRCh38, 1-based): chr17:58,279,299, G>A on the plus strand (C>T on the coding strand, the complement: MPO is on the minus strand). VCF-style: chr17-58279299-G-A. GRCh37 (hg19) VCF-style: chr17-56356660-G-A.
Identifiers: ClinVar variation 4537139 (VCV004537139.1).

ClinVar aggregate classification (germline): Uncertain significance (1 of 4 stars; one submission).

Submission:

Women's Health and Genetics/Laboratory Corporation of America, LabCorp
Classification: Uncertain significance. Last evaluated: 2025-11-03. Review status: criteria provided, single submitter. Criteria: LabCorp Variant Classification Summary - May 2015. Collection method: clinical testing. Allele origin: germline.
Comment: Variant summary: MPO c.676C>T (p.Leu226Leu) alters a nucleotide located close to a canonical splice site and therefore could affect mRNA splicing, leading to a significantly altered protein sequence. Consensus agreement among computation tools predict no significant impact on normal splicing. However, these predictions have yet to be confirmed by functional studies. The variant allele was found at a frequency of 2.4e-05 in 165704 control chromosomes. The available data on variant occurrences in the general population are insufficient to allow any conclusion about variant significance. To our knowledge, no occurrence of c.676C>T in individuals affected with MPO-related conditions and no experimental evidence demonstrating its impact on protein function have been reported. No submitters have cited clinical-significance assessments for this variant to ClinVar. Based on the evidence outlined above, the variant was classified as uncertain significance.